The following is an entry in ClinVar:

ClinVar aggregate classification (germline): Uncertain significance. Review status: criteria provided, multiple submitters, no conflicts (2 of 4 stars). 4 submissions from 4 submitters: Uncertain significance (4). Last evaluated 2024-08-07.

Conditions:
Joubert syndrome 24 (JBTS24). Identifiers: Orphanet 475, MedGen C4084841, MONDO:0014724, OMIM 616654.
Meckel syndrome, type 8. Identifiers: Orphanet 564, MedGen C3836857, MONDO:0013482, OMIM 613885.
Joubert syndrome. Also called: CEREBELLOPARENCHYMAL DISORDER IV; JOUBERT-BOLTSHAUSER SYNDROME; Familial aplasia of the vermis. Identifiers: Orphanet 475, MedGen C5979921, MONDO:0018772.
Meckel-Gruber syndrome. Also called: DYSENCEPHALIA SPLANCHNOCYSTICA; GRUBER SYNDROME; Dysencephalia splachnocystica. Identifiers: Orphanet 564, MedGen C0265215, MONDO:0018921.
Inborn genetic diseases. Identifiers: MedGen C0950123, MeSH D030342.

Allele frequency attached by ClinVar (database versions not stated): gnomAD exomes below 0.00001; TOPMed 0.00001.
gnomAD v4.1: 3 of 1,614,108 alleles (0.00019%); highest among the groups gnomAD compares: Admixed American, 0.0017%; no homozygotes.

Submissions (4):

Ambry Genetics
Classification: Uncertain significance for Inborn genetic diseases. Last evaluated: 2024-08-07. Review status: criteria provided, single submitter. Criteria: Ambry Variant Classification Scheme 2023. Collection method: clinical testing. Allele origin: germline.

Fulgent Genetics
Classification: Uncertain significance for Meckel syndrome, type 8; Joubert syndrome 24. Last evaluated: 2024-03-31. Review status: criteria provided, single submitter. Criteria: ACMG Guidelines, 2015. Collection method: clinical testing. Allele origin: germline.

GeneDx
Classification: Uncertain significance. Last evaluated: 2023-05-11. Review status: criteria provided, single submitter. Criteria: GeneDx Variant Classification Process June 2021. Collection method: clinical testing. Allele origin: germline. Affected: yes.
Comment: Not observed at significant frequency in large population cohorts (gnomAD); In silico analysis supports that this missense variant has a deleterious effect on protein structure/function; Has not been previously published as pathogenic or benign to our knowledge

Labcorp Genetics (formerly Invitae), Labcorp
Classification: Uncertain significance for Joubert syndrome; Meckel-Gruber syndrome. Last evaluated: 2021-07-15. Review status: criteria provided, single submitter. Criteria: Invitae Variant Classification Sherloc (09022015). Collection method: clinical testing. Allele origin: germline.
Comment: In summary, the available evidence is currently insufficient to determine the role of this variant in disease. Therefore, it has been classified as a Variant of Uncertain Significance. Algorithms developed to predict the effect of missense changes on protein structure and function are either unavailable or do not agree on the potential impact of this missense change (SIFT: "Deleterious"; PolyPhen-2: "Probably Damaging"; Align-GVGD: "Class C0"). This variant has not been reported in the literature in individuals affected with TCTN2-related conditions. This variant is not present in population databases (ExAC no frequency). This sequence change replaces glycine with valine at codon 253 of the TCTN2 protein (p.Gly253Val). The glycine residue is highly conserved and there is a moderate physicochemical difference between glycine and valine.

NM_024809.5(TCTN2):c.758G>T (p.Gly253Val)

Gene: TCTN2 (tectonic family member 2; plus strand). Cytogenetic location: 12q24.31.
Variant type: single nucleotide variant.
Coding change: c.758G>T on transcript NM_024809.5 (MANE Select); coding-DNA position 758, G replaced by T.
Protein change: p.Gly253Val; replaces glycine 253 with valine.
Molecular consequence: missense variant.
Genome position (GRCh38, 1-based): chr12:123,687,029, G>T. VCF-style: chr12-123687029-G-T. GRCh37 (hg19) VCF-style: chr12-124171576-G-T.
Other names: c.758G>T (NM_024809.4, NM_024809.3); c.755G>T, p.Gly252Val (NM_001143850.3); short protein forms G252V, G253V.
Identifiers: ClinVar variation 1396324 (VCV001396324.9), dbSNP rs1955979058, ClinGen allele CA387162355.
Genomic context (GRCh38, chr12:123,687,029, plus strand): 5'-CCTTTCTGTGTGTGCAGTCCCCCCTTGCCAACACACCCTTCCTTGGTTACTTCTATCATG[G>T]TGCTGTGTAAGTGTCTGAGCAGCCGCCTGGGATGGGGCATTGTTCTCCCGCCCTGGTGGG-3'
Protein context (NP_079085.2, residues 243-263): NTPFLGYFYH[Gly253Val]AVSPKQDSSF